The following is an entry in ClinVar:

NM_012469.4(PRPF6):c.438+7C>T

Gene: PRPF6 (pre-mRNA processing factor 6; plus strand). Cytogenetic location: 20q13.33.
Variant type: single nucleotide variant.
Coding change: c.438+7C>T on transcript NM_012469.4 (MANE Select); 7 bases into the intron after coding-DNA position 438, C replaced by T.
Molecular consequence: intron variant.
Genome position (GRCh38, 1-based): chr20:63,993,492, C>T. VCF-style: chr20-63993492-C-T. GRCh37 (hg19) VCF-style: chr20-62624845-C-T.
Identifiers: ClinVar variation 3032197 (VCV003032197.5), dbSNP rs751636573, ClinGen allele CA317523379.

ClinVar aggregate classification (germline): Likely benign. Review status: criteria provided, multiple submitters, no conflicts (2 of 4 stars). 3 submissions from 3 submitters: Likely benign (2). 1 of the submissions does not count toward it. Last evaluated 2024-12-04.

Conditions:
PRPF6-related disorder. Also called: PRPF6-related condition.

Allele frequency attached by ClinVar (database versions not stated): gnomAD exomes 0.00001.
gnomAD v4.1: 10 of 1,606,788 alleles (0.00062%); highest among the groups gnomAD compares: African/African-American, 0.0013%; no homozygotes.

Submissions (3):

Labcorp Genetics (formerly Invitae), Labcorp
Classification: Likely benign. Last evaluated: 2024-12-04. Review status: criteria provided, single submitter. Criteria: Invitae Variant Classification Sherloc (09022015). Collection method: clinical testing. Allele origin: germline.

Blueprint Genetics
Classification: Likely benign. Last evaluated: 2024-10-29. Review status: criteria provided, single submitter. Criteria: ACMG Guidelines, 2015. Collection method: clinical testing. Allele origin: germline.

PreventionGenetics, part of Exact Sciences
Classification: Likely benign for PRPF6-related condition. Last evaluated: 2020-09-30. Review status: no assertion criteria provided. Collection method: clinical testing. Allele origin: germline. Not counted in ClinVar's aggregate classification.
Comment: This variant is classified as likely benign based on ACMG/AMP sequence variant interpretation guidelines (Richards et al. 2015 PMID: 25741868, with internal and published modifications).